The following is an entry in ClinVar:

NM_006005.3(WFS1):c.712+195C>G

Gene: WFS1 (wolframin ER transmembrane glycoprotein; plus strand). Cytogenetic location: 4p16.1.
Variant type: single nucleotide variant.
Coding change: c.712+195C>G on transcript NM_006005.3 (MANE Select); 195 bases into the intron after coding-DNA position 712, C replaced by G.
Molecular consequence: intron variant.
Genome position (GRCh38, 1-based): chr4:6,292,192, C>G. VCF-style: chr4-6292192-C-G. GRCh37 (hg19) VCF-style: chr4-6293919-C-G.
Other names: NC_000004.11:g.6293919C>G; c.712+195C>G (NM_001145853.1).
Identifiers: ClinVar variation 670299 (VCV000670299.3), dbSNP rs11725500, ClinGen allele CA11634624.
Genomic context (GRCh38, chr4:6,292,192, plus strand): 5'-CTCTCCTTCCTGTGCGACCCCATCCTGGCCCTGCTAGGATCTCAGGCGGTCCGTTTGGGG[C>G]TCAGTGTTCTGGACGCTGGGAGTAGACCCTGCCCACCTGGAGCGCACGCACTGGAGGGAA-3'

ClinVar aggregate classification (germline): Benign. Review status: criteria provided, multiple submitters, no conflicts (2 of 4 stars). 2 submissions from 2 submitters: Benign (2). Last evaluated 2018-06-14.

Conditions:
Wolfram syndrome 1 (WFS1). Identifiers: Orphanet 3463, MedGen C4551693, MONDO:0009101, OMIM 222300.

Allele frequency attached by ClinVar (database versions not stated): gnomAD 0.63296 and 0.64105; TOPMed 0.65040; 1000 Genomes Project 30x 0.72673; 1000 Genomes Project 0.72843.
gnomAD v4.1: 97,252 of 152,008 alleles (64%); highest among the groups gnomAD compares: East Asian, 93%; 31,727 homozygotes.

Submissions (4):

GeneDx
Classification: Benign. Last evaluated: 2018-06-14. Review status: criteria provided, single submitter. Criteria: GeneDx Variant Classification (06012015). Collection method: clinical testing. Allele origin: germline. Affected: yes.
Comment: This variant is considered likely benign or benign based on one or more of the following criteria: it is a conservative change, it occurs at a poorly conserved position in the protein, it is predicted to be benign by multiple in silico algorithms, and/or has population frequency not consistent with disease.

Clinical Genomics, Uppaluri K&H Personalized Medicine Clinic
Classification: Benign for Wolfram syndrome 1. Review status: criteria provided, single submitter. Criteria: K & H Uppaluri Personalized Medicine Clinic Variant Classification & Assertion Criteria_Updated V.1. Collection method: research. Allele origin: unknown. Inheritance: Autosomal recessive inheritance.
Comment: Potent mutations in WFS1 gene are associated with Wolfram's syndrome, an autosomal recessive condition, which cause diabetes mellitus, diabetes insipidus, deafness and optic atrophy. However no sufficient evidence is found to ascertain the role of this particular variant rs11725500 in Wolfram's syndrome yet.

Dr. Peter K. Rogan Lab, Western University
No classification provided (evidence only). Condition: Lung cancer. Review status: no classification provided. Collection method: in vitro. Allele origin: not applicable. Functional consequence: retained intron. Not counted in ClinVar's aggregate classification.

Dr. Peter K. Rogan Lab, Western University
No classification provided (evidence only). Condition: Hepatocellular carcinoma. Review status: no classification provided. Collection method: in vitro. Allele origin: not applicable. Functional consequence: retained intron. Not counted in ClinVar's aggregate classification.

Literature cited by the submitters: PubMed 20738327 (cited by Clinical Genomics, Uppaluri K&H Personalized Medicine Clinic); PubMed 33879153 (cited by Clinical Genomics, Uppaluri K&H Personalized Medicine Clinic); PubMed 12955714 (cited by Clinical Genomics, Uppaluri K&H Personalized Medicine Clinic); PubMed 18060660 (cited by Clinical Genomics, Uppaluri K&H Personalized Medicine Clinic); PubMed 20301750 (cited by Clinical Genomics, Uppaluri K&H Personalized Medicine Clinic); PubMed 17603484 (cited by Clinical Genomics, Uppaluri K&H Personalized Medicine Clinic).